The following is an entry in ClinVar:

NM_001378452.1(ITPR1):c.996+4_996+7del

Gene: ITPR1 (inositol 1,4,5-trisphosphate receptor type 1; plus strand). Cytogenetic location: 3p26.1.
Variant type: Microsatellite.
Coding change: c.996+4_996+7del on transcript NM_001378452.1 (MANE Select); bases 4 to 7 of the intron after coding-DNA position 996, 4 bases deleted (AGTA; older notation c.996+4_996+7delAGTA).
Molecular consequence: splice donor variant. On other transcripts: intron variant (2).
Genome position (GRCh38, 1-based): chr3:4,653,890-4,653,893, AGTA deleted; deleting any 4 consecutive bases within chr3:4,653,886-4,653,893 gives the same sequence; the c. name uses the placement nearest the transcript's 3' end. VCF-style (leftmost placement, unchanged base first): chr3-4653885-CAGTA-C. GRCh37 (hg19) VCF-style: chr3-4695569-CAGTA-C.
Other names: c.996+4_996+7del (NM_001099952.4); c.951+1672_951+1675del (NM_001168272.2, NM_002222.7).
Identifiers: ClinVar variation 3777563 (VCV003777563.3).
Genomic context (GRCh38, chr3:4,653,885, plus strand): 5'-TGATTCTTTTTCATCAGGTAGACCCTGACTTTGAGGAAGAATGCCTGGAGTTTCAGCCCT[CAGTA>C]AGTATGGACAAGAGCCTTCTTGTCTTCATCTGGTAGGGTGCGGCCAAATGATCTGGAGCT-3'

ClinVar aggregate classification (germline): Uncertain significance. Review status: criteria provided, multiple submitters, no conflicts (2 of 4 stars). 2 submissions from 2 submitters: Uncertain significance (2). Last evaluated 2026-10-20.

Submissions (2):

GeneDx
Classification: Uncertain significance. Last evaluated: 2026-10-20. Review status: criteria provided, single submitter. Criteria: GeneDx Variant Classification Process June 2021. Collection method: clinical testing. Allele origin: germline.
Comment: Not observed at significant frequency in large population cohorts (gnomAD); In silico analysis supports a deleterious effect on splicing; Has not been previously published as pathogenic or benign to our knowledge; Reported using an alternate transcript of the gene

Blueprint Genetics
Classification: Uncertain significance. Last evaluated: 2021-07-05. Review status: criteria provided, single submitter. Criteria: ACMG Guidelines, 2015. Collection method: clinical testing. Allele origin: germline.